The following is an entry in ClinVar:

NM_001182.5(ALDH7A1):c.1549A>G (p.Met517Val)

Gene: ALDH7A1 (aldehyde dehydrogenase 7 family member A1; minus strand). Cytogenetic location: 5q23.2.
Variant type: single nucleotide variant.
Coding change: c.1549A>G on transcript NM_001182.5 (MANE Select); coding-DNA position 1549, A replaced by G.
Protein change: p.Met517Val; replaces methionine 517 with valine.
Molecular consequence: missense variant.
Genome position (GRCh38, 1-based): chr5:126,546,340, T>C on the plus strand (A>G on the coding strand, the complement: ALDH7A1 is on the minus strand). VCF-style: chr5-126546340-T-C. GRCh37 (hg19) VCF-style: chr5-125882032-T-C.
Other names: c.1465A>G, p.Met489Val (NM_001201377.2); c.1357A>G, p.Met453Val (NM_001202404.2); short protein forms M453V, M489V, M517V.
Identifiers: ClinVar variation 936727 (VCV000936727.5), dbSNP rs1749785606, ClinGen allele CA360718917.

ClinVar aggregate classification (germline): Uncertain significance (1 of 4 stars; one submission).

Conditions:
Pyridoxine-dependent epilepsy (EPEO4). Also called: PYRIDOXINE DEPENDENCY WITH SEIZURES; Pyridoxine-Dependent Epilepsy - ALDH7A1; EPILEPSY, EARLY-ONSET, 4, VITAMIN B6-DEPENDENT; Pyridoxine-Dependent Seizures. Identifiers: Orphanet 3006, MedGen C1849508, MONDO:0009945, OMIM 266100. Disease mechanism: loss of function.

Allele frequency attached by ClinVar (database versions not stated): TOPMed 0.00001; gnomAD 0.00001.
gnomAD v4.1: 2 of 1,614,082 alleles (0.00012%); highest among the groups gnomAD compares: Admixed American, 0.0017%; no homozygotes.

Submission:

Labcorp Genetics (formerly Invitae), Labcorp
Classification: Uncertain significance for Pyridoxine-dependent epilepsy. Last evaluated: 2022-08-16. Review status: criteria provided, single submitter. Criteria: Invitae Variant Classification Sherloc (09022015). Collection method: clinical testing. Allele origin: germline.
Comment: This sequence change replaces methionine, which is neutral and non-polar, with valine, which is neutral and non-polar, at codon 517 of the ALDH7A1 protein (p.Met517Val). This variant is not present in population databases (gnomAD no frequency). This variant has not been reported in the literature in individuals affected with ALDH7A1-related conditions. ClinVar contains an entry for this variant (Variation ID: 936727). Advanced modeling of protein sequence and biophysical properties (such as structural, functional, and spatial information, amino acid conservation, physicochemical variation, residue mobility, and thermodynamic stability) performed at Invitae indicates that this missense variant is expected to disrupt ALDH7A1 protein function. Algorithms developed to predict the effect of sequence changes on RNA splicing suggest that this variant may create or strengthen a splice site. In summary, the available evidence is currently insufficient to determine the role of this variant in disease. Therefore, it has been classified as a Variant of Uncertain Significance.